The following is an entry in ClinVar:

NM_004519.4(KCNQ3):c.212G>A (p.Gly71Asp)

Gene: KCNQ3 (potassium voltage-gated channel subfamily Q member 3; minus strand). Cytogenetic location: 8q24.22.
Variant type: single nucleotide variant.
Coding change: c.212G>A on transcript NM_004519.4 (MANE Select); coding-DNA position 212, G replaced by A.
Protein change: p.Gly71Asp; replaces glycine 71 with aspartic acid.
Molecular consequence: missense variant.
Genome position (GRCh38, 1-based): chr8:132,480,321, C>T on the plus strand (G>A on the coding strand, the complement: KCNQ3 is on the minus strand). VCF-style: chr8-132480321-C-T. GRCh37 (hg19) VCF-style: chr8-133492568-C-T.
Other names: short protein forms G71D.
Identifiers: ClinVar variation 2580709 (VCV002580709.1), dbSNP rs2537398343, ClinGen allele CA372292669.

ClinVar aggregate classification (germline): Uncertain significance (1 of 4 stars; one submission).

Submission:

GeneDx
Classification: Uncertain significance. Last evaluated: 2023-03-25. Review status: criteria provided, single submitter. Criteria: GeneDx Variant Classification Process June 2021. Collection method: clinical testing. Allele origin: germline. Affected: yes.
Comment: Not observed at significant frequency in large population cohorts (gnomAD); In silico analysis supports that this missense variant does not alter protein structure/function; Has not been previously published as pathogenic or benign to our knowledge